The following is an entry in ClinVar:

NM_002471.4(MYH6):c.5248T>G (p.Cys1750Gly)

Gene: MYH6 (myosin heavy chain 6; minus strand). Cytogenetic location: 14q11.2.
Variant type: single nucleotide variant.
Coding change: c.5248T>G on transcript NM_002471.4 (MANE Select); coding-DNA position 5248, T replaced by G.
Protein change: p.Cys1750Gly; replaces cysteine 1750 with glycine.
Molecular consequence: missense variant.
Genome position (GRCh38, 1-based): chr14:23,384,957, A>C on the plus strand (T>G on the coding strand, the complement: MYH6 is on the minus strand). VCF-style: chr14-23384957-A-C. GRCh37 (hg19) VCF-style: chr14-23854166-A-C.
Other names: short protein forms C1750G.
Identifiers: ClinVar variation 2724600 (VCV002724600.4), dbSNP rs1400892365, ClinGen allele CA388987917.

ClinVar aggregate classification (germline): Uncertain significance. Review status: criteria provided, multiple submitters, no conflicts (2 of 4 stars). 2 submissions from 2 submitters: Uncertain significance (2). Last evaluated 2024-11-10.

Conditions:
Cardiovascular phenotype. Identifiers: MedGen CN230736.
Hypertrophic cardiomyopathy 14. Identifiers: MedGen C2750467, MONDO:0013197, OMIM 613251.

Allele frequency attached by ClinVar (database versions not stated): TOPMed below 0.00001; gnomAD 0.00001.

Submissions (2):

Ambry Genetics
Classification: Uncertain significance for Cardiovascular phenotype. Last evaluated: 2024-11-10. Review status: criteria provided, single submitter. Criteria: Ambry Variant Classification Scheme 2023. Collection method: clinical testing. Allele origin: germline.
Comment: The p.C1750G variant (also known as c.5248T>G), located in coding exon 33 of the MYH6 gene, results from a T to G substitution at nucleotide position 5248. The cysteine at codon 1750 is replaced by glycine, an amino acid with highly dissimilar properties. This amino acid position is conserved. In addition, the in silico prediction for this alteration is inconclusive. Based on the available evidence, the clinical significance of this variant remains unclear.

Labcorp Genetics (formerly Invitae), Labcorp
Classification: Uncertain significance for Hypertrophic cardiomyopathy 14. Last evaluated: 2023-05-22. Review status: criteria provided, single submitter. Criteria: Invitae Variant Classification Sherloc (09022015). Collection method: clinical testing. Allele origin: germline.
Comment: Advanced modeling of protein sequence and biophysical properties (such as structural, functional, and spatial information, amino acid conservation, physicochemical variation, residue mobility, and thermodynamic stability) performed at Invitae indicates that this missense variant is not expected to disrupt MYH6 protein function. This variant is not present in population databases (gnomAD no frequency). This variant has not been reported in the literature in individuals affected with MYH6-related conditions. This sequence change replaces cysteine, which is neutral and slightly polar, with glycine, which is neutral and non-polar, at codon 1750 of the MYH6 protein (p.Cys1750Gly). In summary, the available evidence is currently insufficient to determine the role of this variant in disease. Therefore, it has been classified as a Variant of Uncertain Significance.